The following is an entry in ClinVar:

NM_021020.5(LZTS1):c.677G>T (p.Ser226Ile)

Gene: LZTS1 (leucine zipper tumor suppressor 1; minus strand). Cytogenetic location: 8p21.3.
Variant type: single nucleotide variant.
Coding change: c.677G>T on transcript NM_021020.5 (MANE Select); coding-DNA position 677, G replaced by T.
Protein change: p.Ser226Ile; replaces serine 226 with isoleucine.
Molecular consequence: missense variant.
Genome position (GRCh38, 1-based): chr8:20,253,254, C>A on the plus strand (G>T on the coding strand, the complement: LZTS1 is on the minus strand). VCF-style: chr8-20253254-C-A. GRCh37 (hg19) VCF-style: chr8-20110765-C-A.
Other names: c.677G>T, p.Ser226Ile (NM_001362884.2); short protein forms S226I.
Identifiers: ClinVar variation 3620846 (VCV003620846.2).

ClinVar aggregate classification (germline): Uncertain significance (1 of 4 stars; one submission).

Submission:

Labcorp Genetics (formerly Invitae), Labcorp
Classification: Uncertain significance. Last evaluated: 2025-04-23. Review status: criteria provided, single submitter. Criteria: Invitae Variant Classification Sherloc (09022015). Collection method: clinical testing. Allele origin: germline.
Comment: This sequence change replaces serine, which is neutral and polar, with isoleucine, which is neutral and non-polar, at codon 226 of the LZTS1 protein (p.Ser226Ile). The frequency data for this variant in the population databases is considered unreliable, as metrics indicate poor data quality at this position in the gnomAD database. This variant has not been reported in the literature in individuals affected with LZTS1-related conditions. ClinVar contains an entry for this variant (Variation ID: 3620846). Invitae Evidence Modeling of protein sequence and biophysical properties (such as structural, functional, and spatial information, amino acid conservation, physicochemical variation, residue mobility, and thermodynamic stability) indicates that this missense variant is not expected to disrupt LZTS1 protein function with a negative predictive value of 80%. In summary, the available evidence is currently insufficient to determine the role of this variant in disease. Therefore, it has been classified as a Variant of Uncertain Significance.